The following is an entry in ClinVar:

NM_000426.4(LAMA2):c.8534dup (p.Gln2846fs)

Gene: LAMA2 (laminin subunit alpha 2; plus strand). Cytogenetic location: 6q22.33.
Variant type: Duplication.
Coding change: c.8534dup on transcript NM_000426.4 (MANE Select); coding-DNA position 8534, one base duplicated (G; older notation c.8534dupG).
Protein change: p.Gln2846fs; shifts the reading frame from glutamine 2846.
Molecular consequence: frameshift variant.
Genome position (GRCh38, 1-based): chr6:129,503,267, G duplicated; the last of 2 consecutive G bases (chr6:129,503,266-129,503,267); duplicating either gives the same sequence. VCF-style (leftmost placement, unchanged base first): chr6-129503265-T-TG. GRCh37 (hg19) VCF-style: chr6-129824410-T-TG.
Other names: c.8522dup, p.Gln2842fs (NM_001079823.2); short protein forms Q2842fs, Q2846fs.
Identifiers: ClinVar variation 5013179 (VCV005013179.1).

ClinVar aggregate classification (germline): Pathogenic (1 of 4 stars; one submission).

Conditions:
LAMA2-related muscular dystrophy (LAMA2-RD). Also called: Laminin alpha 2-related dystrophy. Identifiers: MedGen C5679788, MONDO:0100228.

Submission:

Myriad Genetics, Inc.
Classification: Pathogenic for LAMA2-related muscular dystrophy. Last evaluated: 2024-06-14. Review status: criteria provided, single submitter. Criteria: Myriad Autosomal Dominant, Autosomal Recessive and X-Linked Classification Criteria (2023). Collection method: clinical testing. Allele origin: unknown.
Comment: NM_000426.3(LAMA2):c.8534dupG(Q2846Pfs*6) is expected to be pathogenic in the context of muscular dystrophy, LAMA2-related. This variant is predicted to lead to an abnormal or absent protein product due to the creation of a premature termination codon in LAMA2, a gene where loss-of-function variants are known to be pathogenic. Please note: this variant was assessed in the context of healthy population screening.